The following is an entry in ClinVar:

NM_000382.3(ALDH3A2):c.955dup (p.Thr319fs)

Gene: ALDH3A2 (aldehyde dehydrogenase 3 family member A2; plus strand). Cytogenetic location: 17p11.2.
Variant type: Duplication.
Coding change: c.955dup on transcript NM_000382.3 (MANE Select); coding-DNA position 955, one base duplicated (A; older notation c.955dupA).
Protein change: p.Thr319fs; shifts the reading frame from threonine 319.
Molecular consequence: frameshift variant.
Genome position (GRCh38, 1-based): chr17:19,663,347, A duplicated. VCF-style (leftmost placement, unchanged base first): chr17-19663346-T-TA. GRCh37 (hg19) VCF-style: chr17-19566659-T-TA.
Other names: c.955dup, p.Thr319fs (NM_001031806.2, NM_001369136.1, NM_001369137.2 and 3 more transcripts); c.376dup, p.Thr126fs (NM_001369148.2); short protein forms T319fs, T126fs.
Identifiers: ClinVar variation 3644763 (VCV003644763.2).

ClinVar aggregate classification (germline): Pathogenic (1 of 4 stars; one submission).

Submission:

Labcorp Genetics (formerly Invitae), Labcorp
Classification: Pathogenic. Last evaluated: 2024-03-06. Review status: criteria provided, single submitter. Criteria: Invitae Variant Classification Sherloc (09022015). Collection method: clinical testing. Allele origin: germline.
Comment: This sequence change creates a premature translational stop signal (p.Thr319Asnfs*4) in the ALDH3A2 gene. It is expected to result in an absent or disrupted protein product. Loss-of-function variants in ALDH3A2 are known to be pathogenic (PMID: 10577908, 10854114). This variant is not present in population databases (gnomAD no frequency). This variant has not been reported in the literature in individuals affected with ALDH3A2-related conditions. For these reasons, this variant has been classified as Pathogenic.

Literature cited by the submitters: PubMed 10577908; PubMed 10854114.